The following is an entry in ClinVar:

NM_152415.3(VPS37A):c.1113+1G>A

Gene: VPS37A (VPS37A subunit of ESCRT-I; plus strand). Cytogenetic location: 8p22.
Variant type: single nucleotide variant.
Coding change: c.1113+1G>A on transcript NM_152415.3 (MANE Select); the canonical splice donor site of the intron after coding-DNA position 1113, G replaced by A.
Molecular consequence: splice donor variant.
Genome position (GRCh38, 1-based): chr8:17,284,617, G>A. VCF-style: chr8-17284617-G-A. GRCh37 (hg19) VCF-style: chr8-17142126-G-A.
Other names: c.825+1G>A (NM_001363172.2, NM_001363170.1, NM_001363171.1); c.1113+1G>A (NM_001363173.2); c.843+1G>A (NM_001363168.1, NM_001363169.1); c.1095+1G>A (NM_001363167.1); c.1038+1G>A (NM_001145152.2).
Identifiers: ClinVar variation 2682263 (VCV002682263.1), dbSNP rs1441398877, ClinGen allele CA370405187.
Genomic context (GRCh38, chr8:17,284,617, plus strand): 5'-TTCTTGGAGGGAAAGATGGAAATAGATGATTTTCTCAGTAGCTTCATGGAAAAGAGAACA[G>A]TATGTAATACTCGTCAGTTGAGGACAAGTATTGGATAAAGTTTGGTATTTTTATAGAGGA-3'

ClinVar aggregate classification (germline): Uncertain significance (1 of 4 stars; one submission).

Allele frequency attached by ClinVar (database versions not stated): gnomAD exomes below 0.00001; gnomAD 0.00001; TOPMed 0.00001.
gnomAD v4.1: 2 of 1,596,498 alleles (0.00013%); highest among the groups gnomAD compares: Non-Finnish European, 0.00017%; no homozygotes.

Submission:

Women's Health and Genetics/Laboratory Corporation of America, LabCorp
Classification: Uncertain significance. Last evaluated: 2023-11-22. Review status: criteria provided, single submitter. Criteria: LabCorp Variant Classification Summary - May 2015. Collection method: clinical testing. Allele origin: germline.
Comment: Variant summary: VPS37A c.1113+1G>A is located in a canonical splice-site and is predicted to affect mRNA splicing resulting in a significantly altered protein due to either exon skipping, shortening, or inclusion of intronic material, however the molecular mechanism of disease for VPS37A has yet to be established. Several computational tools predict a significant impact on normal splicing: Three predict the variant abolishes the canonical 5' splicing donor site. However, these predictions have yet to be confirmed by functional studies. The variant was absent in 221600 control chromosomes (gnomAD). The available data on variant occurrences in the general population are insufficient to allow any conclusion about variant significance. To our knowledge, no occurrence of c.1113+1G>A in individuals affected with Hereditary Spastic Paraplegia and no experimental evidence demonstrating its impact on protein function have been reported. No submitters have cited clinical-significance assessments for this variant to ClinVar after 2014. Based on the evidence outlined above, the variant was classified as uncertain significance.